The following is an entry in ClinVar:

NM_031935.3(HMCN1):c.16440T>A (p.Asn5480Lys)

Genes: HMCN1 (hemicentin 1; plus strand), LOC126805953 (P300/CBP strongly-dependent group 1 enhancer GRCh37_chr1:186156636-186157835; plus strand). Cytogenetic location: 1q31.1.
Variant type: single nucleotide variant.
Coding change: c.16440T>A on transcript NM_031935.3 (MANE Select); coding-DNA position 16440, T replaced by A.
Protein change: p.Asn5480Lys; replaces asparagine 5480 with lysine.
Molecular consequence: missense variant.
Genome position (GRCh38, 1-based): chr1:186,187,908, T>A. VCF-style: chr1-186187908-T-A. GRCh37 (hg19) VCF-style: chr1-186157040-T-A.
Other names: short protein forms N5480K.
Identifiers: ClinVar variation 2877538 (VCV002877538.3), dbSNP rs188771010, ClinGen allele CA33471753.

ClinVar aggregate classification (germline): Uncertain significance (1 of 4 stars; one submission).

Allele frequency attached by ClinVar (database versions not stated): 1000 Genomes Project 0.00040; 1000 Genomes Project 30x 0.00062.
gnomAD v4.1: 3 of 1,613,808 alleles (0.00019%); highest among the groups gnomAD compares: Admixed American, 0.005%; no homozygotes.

Submission:

Labcorp Genetics (formerly Invitae), Labcorp
Classification: Uncertain significance. Last evaluated: 2023-07-07. Review status: criteria provided, single submitter. Criteria: Invitae Variant Classification Sherloc (09022015). Collection method: clinical testing. Allele origin: germline.
Comment: In summary, the available evidence is currently insufficient to determine the role of this variant in disease. Therefore, it has been classified as a Variant of Uncertain Significance. An algorithm developed to predict the effect of missense changes on protein structure and function (PolyPhen-2) suggests that this variant is likely to be tolerated. This variant has not been reported in the literature in individuals affected with HMCN1-related conditions. This variant is not present in population databases (gnomAD no frequency). This sequence change replaces asparagine, which is neutral and polar, with lysine, which is basic and polar, at codon 5480 of the HMCN1 protein (p.Asn5480Lys).